The following is an entry in ClinVar:

NM_001122955.4(BSCL2):c.519C>T (p.Thr173=)

Genes: BSCL2 (BSCL2 lipid droplet biogenesis associated, seipin; minus strand), HNRNPUL2-BSCL2 (HNRNPUL2-BSCL2 readthrough (NMD candidate); minus strand). Cytogenetic location: 11q12.3.
Variant type: single nucleotide variant.
Coding change: c.519C>T on transcript NM_001122955.4 (MANE Select); coding-DNA position 519, C replaced by T.
Protein change: p.Thr173=; no amino-acid change (threonine 173 retained).
Molecular consequence: synonymous variant. On other transcripts: non-coding transcript variant (1).
Genome position (GRCh38, 1-based): chr11:62,694,679, G>A on the plus strand (C>T on the coding strand, the complement: BSCL2 is on the minus strand). VCF-style: chr11-62694679-G-A. GRCh37 (hg19) VCF-style: chr11-62462151-G-A.
Other names: c.327C>T, p.Thr109= (NM_001130702.2, NM_032667.6); c.519C>T, p.Thr173= (NM_001386027.1, NM_001386028.1).
Identifiers: ClinVar variation 4688315 (VCV004688315.1).
Genomic context (GRCh38, chr11:62,694,679, plus strand): 5'-GGTGACCAAGAACATGCCCAAATCTTGATTCACAGGGGACTCTGGCAGCTCAAGCTCTAA[G>A]GTAACACGATACGGCTGTCCATACATCAGCACCTGCCAAAGGTAGCCCCCATTTCTTTAA-3'
Protein context (NP_001116427.1, residues 163-183): VLMYGQPYRV[Thr173=]LELELPESPV

ClinVar aggregate classification (germline): Likely benign (1 of 4 stars; one submission).

Submission:

Women's Health and Genetics/Laboratory Corporation of America, LabCorp
Classification: Likely benign. Last evaluated: 2025-12-30. Review status: criteria provided, single submitter. Criteria: LabCorp Variant Classification Summary - May 2015. Collection method: clinical testing. Allele origin: germline.
Comment: Variant summary: BSCL2 c.327C>T alters a conserved nucleotide resulting in a synonymous change. Consensus agreement among computation tools predict no significant impact on normal splicing. However, these predictions have yet to be confirmed by functional studies. The variant was absent in 251404 control chromosomes. The available data on variant occurrences in the general population are insufficient to allow any conclusion about variant significance. To our knowledge, no occurrence of c.327C>T in individuals affected with BSCL2-related conditions and no experimental evidence demonstrating its impact on protein function have been reported. No submitters have cited clinical-significance assessments for this variant to ClinVar. Based on the evidence outlined above, the variant was classified as likely benign.